The following is an entry in ClinVar:

ClinVar aggregate classification (germline): Likely benign. Review status: criteria provided, single submitter (1 of 4 stars). 2 submissions from 2 submitters: Likely benign (1). 1 of the submissions does not count toward it. Last evaluated 2025-10-11.

Conditions:
Ehlers-Danlos syndrome, classic type, 1 (EDSCL1). Also called: EDS I; Ehlers-Danlos syndrome, type 1; EHLERS-DANLOS SYNDROME, GRAVIS TYPE; EHLERS-DANLOS SYNDROME, SEVERE CLASSIC TYPE; Ehlers-Danlos Syndrome, Classic Type, COL5A1-Related. Identifiers: MedGen C0268335, MONDO:0019567, OMIM 130000.
COL5A1-related disorder. Also called: COL5A1-related condition.

gnomAD v4.1: 2 of 1,611,696 alleles (0.00012%); highest among the groups gnomAD compares: Non-Finnish European, 0.00017%; no homozygotes.

Submissions (2):

Labcorp Genetics (formerly Invitae), Labcorp
Classification: Likely benign for Ehlers-Danlos syndrome, classic type, 1. Last evaluated: 2025-10-11. Review status: criteria provided, single submitter. Criteria: Invitae Variant Classification Sherloc (09022015). Collection method: clinical testing. Allele origin: germline.

PreventionGenetics, part of Exact Sciences
Classification: Likely benign for COL5A1-related condition. Last evaluated: 2024-08-21. Review status: no assertion criteria provided. Collection method: clinical testing. Allele origin: germline. Not counted in ClinVar's aggregate classification.
Comment: This variant is classified as likely benign based on ACMG/AMP sequence variant interpretation guidelines (Richards et al. 2015 PMID: 25741868, with internal and published modifications).

NM_000093.5(COL5A1):c.4177-8T>G

Gene: COL5A1 (collagen type V alpha 1 chain; plus strand). Cytogenetic location: 9q34.3.
Variant type: single nucleotide variant.
Coding change: c.4177-8T>G on transcript NM_000093.5 (MANE Select); 8 bases into the intron before coding-DNA position 4177, T replaced by G.
Molecular consequence: intron variant.
Genome position (GRCh38, 1-based): chr9:134,817,770, T>G. VCF-style: chr9-134817770-T-G. GRCh37 (hg19) VCF-style: chr9-137709616-T-G.
Other names: c.4177-8T>G (NM_001278074.1, NM_000093.4).
Identifiers: ClinVar variation 1591811 (VCV001591811.12), dbSNP rs1838818747, ClinGen allele CA2573144136.
Genomic context (GRCh38, chr9:134,817,770, plus strand): 5'-GCACCCGAGCTCGTCCCTCCACCCCTGCAGGCCACACTCACCACCTGCTGTTCTCTTGCT[T>G]CTTTCAGGGTCCCCCAGGCCCCGCAGGCCCCGAAGGCAGACAGGGAGAGAAAGGGGCCAA-3'